The following is an entry in ClinVar:

ClinVar aggregate classification (germline): Uncertain significance. Review status: criteria provided, multiple submitters, no conflicts (2 of 4 stars). 3 submissions from 3 submitters: Uncertain significance (3). Last evaluated 2025-08-14.

Conditions:
Inborn genetic diseases. Identifiers: MedGen C0950123, MeSH D030342.

Allele frequency attached by ClinVar (database versions not stated): gnomAD exomes 0.00002 and 0.00006; ExAC 0.00009; TOPMed 0.00014; gnomAD 0.00020 and 0.00021; 1000 Genomes Project 30x 0.00031; ESP Exome Variant Server 0.00038; 1000 Genomes Project 0.00040.
gnomAD v4.1: 55 of 1,614,092 alleles (0.0034%); highest among the groups gnomAD compares: African/African-American, 0.052%; no homozygotes.

Submissions (3):

Ambry Genetics
Classification: Uncertain significance for Inborn genetic diseases. Last evaluated: 2025-08-14. Review status: criteria provided, single submitter. Criteria: Ambry Variant Classification Scheme 2023. Collection method: clinical testing. Allele origin: germline.

Blueprint Genetics
Classification: Uncertain significance. Last evaluated: 2024-11-21. Review status: criteria provided, single submitter. Criteria: ACMG Guidelines, 2015. Collection method: clinical testing. Allele origin: germline.

Labcorp Genetics (formerly Invitae), Labcorp
Classification: Uncertain significance. Last evaluated: 2023-10-30. Review status: criteria provided, single submitter. Criteria: Invitae Variant Classification Sherloc (09022015). Collection method: clinical testing. Allele origin: germline.
Comment: This sequence change replaces aspartic acid, which is acidic and polar, with asparagine, which is neutral and polar, at codon 197 of the GRM6 protein (p.Asp197Asn). This variant is present in population databases (rs140082247, gnomAD 0.07%). This variant has not been reported in the literature in individuals affected with GRM6-related conditions. ClinVar contains an entry for this variant (Variation ID: 1039386). Advanced modeling of protein sequence and biophysical properties (such as structural, functional, and spatial information, amino acid conservation, physicochemical variation, residue mobility, and thermodynamic stability) has been performed at Invitae for this missense variant, however the output from this modeling did not meet the statistical confidence thresholds required to predict the impact of this variant on GRM6 protein function. In summary, the available evidence is currently insufficient to determine the role of this variant in disease. Therefore, it has been classified as a Variant of Uncertain Significance.

NM_000843.4(GRM6):c.589G>A (p.Asp197Asn)

Gene: GRM6 (glutamate metabotropic receptor 6; minus strand). Cytogenetic location: 5q35.3.
Variant type: single nucleotide variant.
Coding change: c.589G>A on transcript NM_000843.4 (MANE Select); coding-DNA position 589, G replaced by A.
Protein change: p.Asp197Asn; replaces aspartic acid 197 with asparagine.
Molecular consequence: missense variant.
Genome position (GRCh38, 1-based): chr5:178,991,999, C>T on the plus strand (G>A on the coding strand, the complement: GRM6 is on the minus strand). VCF-style: chr5-178991999-C-T. GRCh37 (hg19) VCF-style: chr5-178419000-C-T.
Other names: c.589G>A (NM_000843.3); short protein forms D197N.
Identifiers: ClinVar variation 1039386 (VCV001039386.8), dbSNP rs140082247, ClinGen allele CA3594482.